The following is an entry in ClinVar:

NM_003628.6(PKP4):c.1822A>T (p.Ile608Leu)

Gene: PKP4 (plakophilin 4; plus strand). Cytogenetic location: 2q24.1.
Variant type: single nucleotide variant.
Coding change: c.1822A>T on transcript NM_003628.6 (MANE Select); coding-DNA position 1822, A replaced by T.
Protein change: p.Ile608Leu; replaces isoleucine 608 with leucine.
Molecular consequence: missense variant.
Genome position (GRCh38, 1-based): chr2:158,642,612, A>T. VCF-style: chr2-158642612-A-T. GRCh37 (hg19) VCF-style: chr2-159499124-A-T.
Other names: c.1822A>T, p.Ile608Leu (NM_001005476.4, NM_001304971.2, NM_001377218.1 and 1 more transcripts); c.1819A>T, p.Ile607Leu (NM_001304969.3, NM_001377219.1, NM_001377220.1 and 2 more transcripts); c.793A>T, p.Ile265Leu (NM_001304970.3); c.1816A>T, p.Ile606Leu (NM_001377222.1, NM_001377223.1); c.1813A>T, p.Ile605Leu (NM_001377224.1); short protein forms I606L, I608L, I607L, I265L, I605L.
Identifiers: ClinVar variation 2448031 (VCV002448031.2), dbSNP rs2529702455, ClinGen allele CA348913051.
Genomic context (GRCh38, chr2:158,642,612, plus strand): 5'-AAGAATGCTTGTGGTGCCCTTCGAAACCTCGTTTTTGGCAAGTCTACAGATGAAAATAAA[A>T]TAGCAATGAAGAATGTTGGTGGGATACCTGCCTTGTTGCGACTGTTGAGAAAATCTATTG-3'
Protein context (NP_003619.2, residues 598-618): VFGKSTDENK[Ile608Leu]AMKNVGGIPA

ClinVar aggregate classification (germline): Uncertain significance (1 of 4 stars; one submission).

gnomAD v4.1: 6 of 1,613,756 alleles (0.00037%); highest among the groups gnomAD compares: Non-Finnish European, 0.00042%; no homozygotes.

Submission:

Ambry Genetics
Classification: Uncertain significance. Last evaluated: 2023-02-11. Review status: criteria provided, single submitter. Criteria: Ambry Variant Classification Scheme 2023. Collection method: clinical testing. Allele origin: germline.
Comment: The p.I608L variant (also known as c.1822A>T), located in coding exon 10 of the PKP4 gene, results from an A to T substitution at nucleotide position 1822. The isoleucine at codon 608 is replaced by leucine, an amino acid with highly similar properties. This amino acid position is conserved. In addition, this alteration is predicted to be tolerated by in silico analysis. Since supporting evidence is limited at this time, the clinical significance of this alteration remains unclear.